The following is an entry in ClinVar:

ClinVar aggregate classification (germline): Uncertain significance (0 of 4 stars; one submission).

Conditions:
VPS13B-related disorder. Also called: VPS13B-related condition.

gnomAD v4.1: 1 of 1,613,976 alleles (0.000062%); highest among the groups gnomAD compares: Non-Finnish European, 0.000085%; no homozygotes.

Submission:

PreventionGenetics, part of Exact Sciences
Classification: Uncertain significance for VPS13B-related condition. Last evaluated: 2024-05-23. Review status: no assertion criteria provided. Collection method: clinical testing. Allele origin: germline.
Comment: The VPS13B c.2534C>T variant is predicted to result in the amino acid substitution p.Pro845Leu. To our knowledge, this variant has not been reported in the literature or in a large population database, indicating this variant is rare. At this time, the clinical significance of this variant is uncertain due to the absence of conclusive functional and genetic evidence.

NM_152564.5(VPS13B):c.2534C>T (p.Pro845Leu)

Gene: VPS13B (vacuolar protein sorting 13 homolog B; plus strand). Cytogenetic location: 8q22.2.
Variant type: single nucleotide variant.
Coding change: c.2534C>T on transcript NM_152564.5 (MANE Select); coding-DNA position 2534, C replaced by T.
Protein change: p.Pro845Leu; replaces proline 845 with leucine.
Molecular consequence: missense variant.
Genome position (GRCh38, 1-based): chr8:99,274,216, C>T. VCF-style: chr8-99274216-C-T. GRCh37 (hg19) VCF-style: chr8-100286444-C-T.
Other names: c.2534C>T, p.Pro845Leu (NM_017890.5); short protein forms P845L.
Identifiers: ClinVar variation 3356740 (VCV003356740.1).